The following is an entry in ClinVar:

NM_012470.4(TNPO3):c.2142A>T (p.Glu714Asp)

Gene: TNPO3 (transportin 3; minus strand). Cytogenetic location: 7q32.1.
Variant type: single nucleotide variant.
Coding change: c.2142A>T on transcript NM_012470.4 (MANE Select); coding-DNA position 2142, A replaced by T.
Protein change: p.Glu714Asp; replaces glutamic acid 714 with aspartic acid.
Molecular consequence: missense variant. On other transcripts: non-coding transcript variant (18).
Genome position (GRCh38, 1-based): chr7:128,975,855, T>A on the plus strand (A>T on the coding strand, the complement: TNPO3 is on the minus strand). VCF-style: chr7-128975855-T-A. GRCh37 (hg19) VCF-style: chr7-128615909-T-A.
Other names: c.1950A>T, p.Glu650Asp (NM_001191028.3, NM_001382223.1); c.2244A>T, p.Glu748Asp (NM_001382216.1); c.2223A>T, p.Glu741Asp (NM_001382217.1); c.2142A>T, p.Glu714Asp (NM_001382218.1); c.2034A>T, p.Glu678Asp (NM_001382219.1); c.2001A>T, p.Glu667Asp (NM_001382220.1); c.1998A>T, p.Glu666Asp (NM_001382221.1); c.1995A>T, p.Glu665Asp (NM_001382222.1); short protein forms E650D, E666D, E678D, E714D, E665D, E667D, E741D, E748D.
Identifiers: ClinVar variation 2585311 (VCV002585311.1), dbSNP rs2535988671, ClinGen allele CA369218043.

ClinVar aggregate classification (germline): Uncertain significance (1 of 4 stars; one submission).

Conditions:
Autosomal dominant limb-girdle muscular dystrophy type 1F (LGMDD2). Also called: Limb-girdle muscular dystrophy, type 1F; MUSCULAR DYSTROPHY, LIMB-GIRDLE, AUTOSOMAL DOMINANT 2. Identifiers: Orphanet 55595, MedGen C1842062, MONDO:0012034, OMIM 608423.

gnomAD v4.1: 1 of 1,614,024 alleles (0.000062%); highest among the groups gnomAD compares: South Asian, 0.0011%; no homozygotes.

Submission:

Neuberg Centre For Genomic Medicine, NCGM
Classification: Uncertain significance for Autosomal dominant limb-girdle muscular dystrophy type 1F. Review status: criteria provided, single submitter. Criteria: ACMG Guidelines, 2015. Collection method: clinical testing. Allele origin: germline. Inheritance: Autosomal dominant inheritance. Affected: yes.
Comment: The missense variant c.2142A>T(p.Glu714Asp) in TNPO3 gene has not been reported previously as a pathogenic variant nor as a benign variant, to our knowledge. The p.Glu714Asp variant is novel (not in any individuals) in gnomAD Exomes and 1000 Genomes. The amino acid Glu at position 714 is changed to a Asp changing protein sequence and it might alter its composition and physico-chemical properties. In silico tools predict the variant to be tolerated. The residue is conserved across species. The amino acid change p.Glu714Asp in TNPO3 is predicted as conserved by GERP++ and PhyloP across 100 vertebrates. For these reasons, this variant has been classified as Uncertain Significance.